The following is an entry in ClinVar:

NM_005219.5(DIAPH1):c.2056_2094del (p.Arg686_Ala698del)

Gene: DIAPH1 (diaphanous related formin 1; minus strand). Cytogenetic location: 5q31.3.
Variant type: Deletion.
Coding change: c.2056_2094del on transcript NM_005219.5 (MANE Select); coding-DNA positions 2056 to 2094, 39 bases deleted.
Protein change: p.Arg686_Ala698del.
Molecular consequence: inframe deletion.
Genome position (GRCh38, 1-based): chr5:141,573,756-141,573,794, 39 bases deleted; deleting any 39 consecutive bases within chr5:141,573,756-141,573,815 gives the same sequence; the c. name uses the placement nearest the transcript's 3' end. GRCh37 (hg19): chr5:140,953,344-140,953,382.
Other names: c.2029_2067del, p.Arg677_Ala689del (NM_001079812.3); c.2056_2094del, p.Arg686_Ala698del (NM_001314007.2).
Identifiers: ClinVar variation 1357511 (VCV001357511.8), dbSNP rs768124450, ClinGen allele CA3479165.
Genomic context (GRCh38, chr5:141,573,755, plus strand): 5'-GGGGAGGAGGAGGTGGCATTCCTGCTTCTCCAGGCAAGGGAGGAGGTGGGGGGGGAATTC[CAGCACTCCCAGGCAAAGGAGGTGGTGGTGGGGGGATTCT>C]AGCACTCCCAGGCAAAGGAGGAGGTGGGGGGATGGCAGTACCTCCAGGCAAAGAAGAGGG-3'

ClinVar aggregate classification (germline): Uncertain significance (1 of 4 stars; one submission).

Conditions:
Autosomal dominant nonsyndromic hearing loss 1. Also called: DEAFNESS, AUTOSOMAL DOMINANT 1, WITH OR WITHOUT THROMBOCYTOPENIA; KONIGSMARK SYNDROME. Identifiers: Orphanet 90635, MedGen C1852282, MONDO:0007424, OMIM 124900.
Progressive microcephaly-seizures-cortical blindness-developmental delay syndrome. Also called: Seizures, cortical blindness, and microcephaly syndrome. Identifiers: Orphanet 477814, MedGen C5567650, MONDO:0014714, OMIM 616632.

Submission:

Labcorp Genetics (formerly Invitae), Labcorp
Classification: Uncertain significance for Progressive microcephaly-seizures-cortical blindness-developmental delay syndrome; Autosomal dominant nonsyndromic hearing loss 1. Last evaluated: 2025-12-20. Review status: criteria provided, single submitter. Criteria: Invitae Variant Classification Sherloc (09022015). Collection method: clinical testing. Allele origin: germline.
Comment: This variant, c.2056_2094del, results in the deletion of 13 amino acid(s) of the DIAPH1 protein (p.Arg686_Ala698del), but otherwise preserves the integrity of the reading frame. This variant is present in population databases (rs768124450, gnomAD 0.03%). This variant has not been reported in the literature in individuals affected with DIAPH1-related conditions. ClinVar contains an entry for this variant (Variation ID: 1357511). Experimental studies and prediction algorithms are not available or were not evaluated, and the functional significance of this variant is currently unknown. In summary, the available evidence is currently insufficient to determine the role of this variant in disease. Therefore, it has been classified as a Variant of Uncertain Significance.